The following is an entry in ClinVar:

NM_000089.4(COL1A2):c.2533G>A (p.Glu845Lys)

Gene: COL1A2 (collagen type I alpha 2 chain; plus strand). Cytogenetic location: 7q21.3.
Variant type: single nucleotide variant.
Coding change: c.2533G>A on transcript NM_000089.4 (MANE Select); coding-DNA position 2533, G replaced by A.
Protein change: p.Glu845Lys; replaces glutamic acid 845 with lysine.
Molecular consequence: missense variant.
Genome position (GRCh38, 1-based): chr7:94,423,086, G>A. VCF-style: chr7-94423086-G-A. GRCh37 (hg19) VCF-style: chr7-94052398-G-A.
Other names: short protein forms E845K.
Identifiers: ClinVar variation 3754826 (VCV003754826.2).

ClinVar aggregate classification (germline): Uncertain significance (1 of 4 stars; one submission).

Conditions:
Ehlers-Danlos syndrome, classic type, 1 (EDSCL1). Also called: EHLERS-DANLOS SYNDROME, GRAVIS TYPE; EHLERS-DANLOS SYNDROME, SEVERE CLASSIC TYPE; Ehlers-Danlos syndrome, type 1; Ehlers-Danlos Syndrome, Classic Type, COL5A1-Related; EDS I. Identifiers: MedGen C0268335, MONDO:0019567, OMIM 130000.
Osteogenesis imperfecta type I (OI1). Also called: OI, TYPE I; OSTEOGENESIS IMPERFECTA TARDA; OSTEOGENESIS IMPERFECTA WITH BLUE SCLERAE; Osteogenesis imperfecta type 1; Lobstein's Disease; Lobstein disease. Identifiers: Orphanet 216796, Orphanet 666, MedGen C0023931, MONDO:0008146, OMIM 166200. Disease mechanism: loss of function.

Submission:

Labcorp Genetics (formerly Invitae), Labcorp
Classification: Uncertain significance for Osteogenesis imperfecta type I; Ehlers-Danlos syndrome, classic type, 1. Last evaluated: 2024-02-24. Review status: criteria provided, single submitter. Criteria: Invitae Variant Classification Sherloc (09022015). Collection method: clinical testing. Allele origin: germline.
Comment: This sequence change replaces glutamic acid, which is acidic and polar, with lysine, which is basic and polar, at codon 845 of the COL1A2 protein (p.Glu845Lys). This variant is not present in population databases (gnomAD no frequency). This variant has not been reported in the literature in individuals affected with COL1A2-related conditions. Advanced modeling of protein sequence and biophysical properties (such as structural, functional, and spatial information, amino acid conservation, physicochemical variation, residue mobility, and thermodynamic stability) performed at Invitae indicates that this missense variant is not expected to disrupt COL1A2 protein function with a negative predictive value of 80%. Algorithms developed to predict the effect of sequence changes on RNA splicing suggest that this variant may disrupt the consensus splice site. In summary, the available evidence is currently insufficient to determine the role of this variant in disease. Therefore, it has been classified as a Variant of Uncertain Significance.